The following is an entry in ClinVar:

NM_020320.5(RARS2):c.4G>A (p.Ala2Thr)

Gene: RARS2 (arginyl-tRNA synthetase 2, mitochondrial; minus strand). Cytogenetic location: 6q15.
Variant type: single nucleotide variant.
Coding change: c.4G>A on transcript NM_020320.5 (MANE Select); coding-DNA position 4, G replaced by A.
Protein change: p.Ala2Thr; replaces alanine 2 with threonine.
Molecular consequence: missense variant. On other transcripts: 5 prime UTR variant (7), non-coding transcript variant (23).
Genome position (GRCh38, 1-based): chr6:87,589,954, C>T on the plus strand (G>A on the coding strand, the complement: RARS2 is on the minus strand). VCF-style: chr6-87589954-C-T. GRCh37 (hg19) VCF-style: chr6-88299672-C-T.
Other names: c.-687G>A (NM_001318785.2); c.4G>A, p.Ala2Thr (NM_001350505.2); c.-743G>A (NM_001350506.2, NM_001350510.2); c.-866G>A (NM_001350507.2); c.-905G>A (NM_001350508.2); c.-613G>A (NM_001350509.2); c.-862G>A (NM_001350511.2); short protein forms A2T.
Identifiers: ClinVar variation 1806593 (VCV001806593.1), dbSNP rs767720724, ClinGen allele CA3916858.
Genomic context (GRCh38, chr6:87,589,954, plus strand): 5'-ACTCCTCTGCGCGCTCCGGGATCCATACCTGGCAAGCAATAGCGCGGCGAAAGCCGCACG[C>T]CATGTCCACCTCTACGGAAGTGCGCCGCAGTCCGCCAGTTCCGGCCTCGCCCCACCTCCT-3'
Protein context (NP_064716.2, residues 1-12): M[Ala2Thr]CGFRRAIACQ

ClinVar aggregate classification (germline): Uncertain significance (1 of 4 stars; one submission).

gnomAD v4.1: 1 of 1,614,248 alleles (0.000062%); highest among the groups gnomAD compares: South Asian, 0.0011%; no homozygotes.

Submission:

GeneDx
Classification: Uncertain significance. Last evaluated: 2022-06-24. Review status: criteria provided, single submitter. Criteria: GeneDx Variant Classification Process June 2021. Collection method: clinical testing. Allele origin: germline. Affected: yes.
Comment: Not observed at significant frequency in large population cohorts (gnomAD); In silico analysis supports that this missense variant does not alter protein structure/function; Has not been previously published as pathogenic or benign to our knowledge